The following is an entry in ClinVar:

NM_003072.5(SMARCA4):c.1118+5G>A

Gene: SMARCA4 (SWI/SNF related BAF chromatin remodeling complex subunit ATPase 4; plus strand). Cytogenetic location: 19p13.2.
Variant type: single nucleotide variant.
Coding change: c.1118+5G>A on transcript NM_003072.5 (MANE Select); 5 bases into the intron after coding-DNA position 1118, G replaced by A.
Molecular consequence: intron variant.
Genome position (GRCh38, 1-based): chr19:10,987,929, G>A. VCF-style: chr19-10987929-G-A. GRCh37 (hg19) VCF-style: chr19-11098605-G-A.
Other names: c.1118+5G>A (NM_001128844.3, NM_001128849.3, NM_001128847.4 and 4 more transcripts).
Identifiers: ClinVar variation 937719 (VCV000937719.7), dbSNP rs1351206812, ClinGen allele CA783229384.
Genomic context (GRCh38, chr19:10,987,929, plus strand): 5'-ATCCAGAAGCCGCGGGGCCTCGACCCTGTGGAGATCCTGCAGGAGCGCGAGTACAGGTGA[G>A]GGCGGGGCCCAGTTGCCAAGGTCACTGCCCTGTGTCCCCCATGTCCCCCTGGGGAAGCCA-3'

ClinVar aggregate classification (germline): Uncertain significance (1 of 4 stars; one submission).

Conditions:
Rhabdoid tumor predisposition syndrome 2 (RTPS2). Identifiers: Orphanet 231108, Orphanet 69077, MedGen C2750074, MONDO:0013224, OMIM 613325.

Submission:

Labcorp Genetics (formerly Invitae), Labcorp
Classification: Uncertain significance for Rhabdoid tumor predisposition syndrome 2. Last evaluated: 2019-06-26. Review status: criteria provided, single submitter. Criteria: Invitae Variant Classification Sherloc (09022015). Collection method: clinical testing. Allele origin: germline.
Comment: This sequence change falls in intron 6 of the SMARCA4 gene. It does not directly change the encoded amino acid sequence of the SMARCA4 protein, but it affects a nucleotide within the consensus splice site of the intron. This variant is not present in population databases (ExAC no frequency). In summary, the available evidence is currently insufficient to determine the role of this variant in disease. Therefore, it has been classified as a Variant of Uncertain Significance. Nucleotide substitutions within the consensus splice site are a relatively common cause of aberrant splicing (PMID: 17576681, 9536098). Algorithms developed to predict the effect of sequence changes on RNA splicing suggest that this variant may disrupt the consensus splice site, but this prediction has not been confirmed by published transcriptional studies. This variant has not been reported in the literature in individuals with SMARCA4-related conditions.

Literature cited by the submitters: PubMed 17576681; PubMed 9536098.